The following is an entry in ClinVar:

ClinVar aggregate classification (germline): Benign/Likely benign. Review status: criteria provided, multiple submitters, no conflicts (2 of 4 stars). 2 submissions from 2 submitters: Benign (1); Likely benign (1). Last evaluated 2026-06-03.

Conditions:
Gastrointestinal stromal tumor. Also called: Gastrointestinal stromal tumor, somatic; Gastrointestinal stroma tumor. Identifiers: Orphanet 44890, MedGen C0238198, MeSH D046152, MONDO:0011719, OMIM 606764, HP:0100723.

Submissions (2):

Myriad Genetics, Inc.
Classification: Benign for Gastrointestinal stromal tumor. Last evaluated: 2026-06-03. Review status: criteria provided, single submitter. Criteria: Myriad Autosomal Dominant, Autosomal Recessive and X-Linked Classification Criteria (2023). Collection method: clinical testing. Allele origin: unknown.
Comment: This variant is considered benign. This variant is a silent/synonymous amino acid change and it is not expected to impact splicing.

Labcorp Genetics (formerly Invitae), Labcorp
Classification: Likely benign for Gastrointestinal stromal tumor. Last evaluated: 2023-11-20. Review status: criteria provided, single submitter. Criteria: Invitae Variant Classification Sherloc (09022015). Collection method: clinical testing. Allele origin: germline.

NM_000222.3(KIT):c.1344G>A (p.Gln448=)

Gene: KIT (KIT proto-oncogene, receptor tyrosine kinase; plus strand). Cytogenetic location: 4q12.
Variant type: single nucleotide variant.
Coding change: c.1344G>A on transcript NM_000222.3 (MANE Select); coding-DNA position 1344, G replaced by A.
Protein change: p.Gln448=; no amino-acid change (glutamine 448 retained).
Molecular consequence: synonymous variant.
Genome position (GRCh38, 1-based): chr4:54,723,696, G>A. VCF-style: chr4-54723696-G-A. GRCh37 (hg19) VCF-style: chr4-55589862-G-A.
Other names: c.1344G>A, p.Gln448= (NM_001093772.2, NM_001385285.1, NM_001385286.1); c.1347G>A, p.Gln449= (NM_001385284.1, NM_001385288.1, NM_001385290.1 and 1 more transcripts).
Identifiers: ClinVar variation 528670 (VCV000528670.10), dbSNP rs542718349, ClinGen allele CA2923458.
Genomic context (GRCh38, chr4:54,723,696, plus strand): 5'-TGTGGCAGCAGGATTCCCAGAGCCCACAATAGATTGGTATTTTTGTCCAGGAACTGAGCA[G>A]AGGTGAGATGATTATTTTTGGCACTGCTTATAATGCAGAGGGGAAGGACTGCAATTCACT-3'
Protein context (NP_000213.1, residues 438-458): IDWYFCPGTE[Gln448=]RCSASVLPVD